The following is an entry in ClinVar:

ClinVar aggregate classification (germline): Uncertain significance. Review status: criteria provided, multiple submitters, no conflicts (2 of 4 stars). 2 submissions from 2 submitters: Uncertain significance (2). Last evaluated 2025-12-17.

Conditions:
Hereditary cancer-predisposing syndrome. Also called: Neoplastic Syndromes, Hereditary; Tumor predisposition; Hereditary Cancer Syndrome; Hereditary neoplastic syndrome. Identifiers: Orphanet 140162, MedGen C0027672, MeSH D009386, MONDO:0015356.
Neuroblastoma, susceptibility to, 3. Also called: ALK-Related Neuroblastic Tumor Susceptibility. Identifiers: Orphanet 635, MedGen C2751681, MONDO:0013083, OMIM 613014.

Allele frequency attached by ClinVar (database versions not stated): ExAC 0.00001; gnomAD exomes 0.00001; gnomAD 0.00002 and 0.00003; TOPMed 0.00004; 1000 Genomes Project 30x 0.00016; 1000 Genomes Project 0.00020.
gnomAD v4.1: 9 of 1,614,256 alleles (0.00056%); highest among the groups gnomAD compares: Admixed American, 0.012%; no homozygotes.

Submissions (2):

Labcorp Genetics (formerly Invitae), Labcorp
Classification: Uncertain significance for Neuroblastoma, susceptibility to, 3. Last evaluated: 2025-12-17. Review status: criteria provided, single submitter. Criteria: Invitae Variant Classification Sherloc (09022015). Collection method: clinical testing. Allele origin: germline.
Comment: This sequence change replaces proline, which is neutral and non-polar, with leucine, which is neutral and non-polar, at codon 1485 of the ALK protein (p.Pro1485Leu). This variant is present in population databases (rs556061961, gnomAD 0.006%). This variant has not been reported in the literature in individuals affected with ALK-related conditions. ClinVar contains an entry for this variant (Variation ID: 567581). An algorithm developed to predict the effect of missense changes on protein structure and function (PolyPhen-2) suggests that this variant is likely to be tolerated. In summary, the available evidence is currently insufficient to determine the role of this variant in disease. Therefore, it has been classified as a Variant of Uncertain Significance.

Ambry Genetics
Classification: Uncertain significance for Hereditary cancer-predisposing syndrome. Last evaluated: 2024-09-27. Review status: criteria provided, single submitter. Criteria: Ambry Variant Classification Scheme 2023. Collection method: clinical testing. Allele origin: germline.

NM_004304.5(ALK):c.4454C>T (p.Pro1485Leu)

Gene: ALK (ALK receptor tyrosine kinase; minus strand). Cytogenetic location: 2p23.2.
Variant type: single nucleotide variant.
Coding change: c.4454C>T on transcript NM_004304.5 (MANE Select); coding-DNA position 4454, C replaced by T.
Protein change: p.Pro1485Leu; replaces proline 1485 with leucine.
Molecular consequence: missense variant.
Genome position (GRCh38, 1-based): chr2:29,193,633, G>A on the plus strand (C>T on the coding strand, the complement: ALK is on the minus strand). VCF-style: chr2-29193633-G-A. GRCh37 (hg19) VCF-style: chr2-29416499-G-A.
Other names: c.1250C>T, p.Pro417Leu (NM_001353765.2); short protein forms P1485L, P417L.
Identifiers: ClinVar variation 567581 (VCV000567581.15), dbSNP rs556061961, ClinGen allele CA1593570.